The following is an entry in ClinVar:

ClinVar aggregate classification (germline): Uncertain significance (1 of 4 stars; one submission).

Submission:

ISCA site 15
Classification: Uncertain significance. Last evaluated: 2011-08-12. Review status: criteria provided, single submitter. Criteria: Kaminsky et al. (Genet Med. 2011). Collection method: clinical testing. Allele origin: maternal. Affected: yes. Observed: 1 variant allele.
Comment: Copy number variation identified through the course of routine clinical cytogenomic testing in postnatal populations. Clinical assertions have been curated as described in Kaminsky et al. 2011.

GRCh38/hg38 5p14.3(chr5:18415454-19617962)x1

Genes: CDH18 (cadherin 18; minus strand), LOC112997585 (Sharpr-MPRA regulatory region 1435; plus strand), LOC126807328 (MED14-independent group 3 enhancer GRCh37_chr5:18732766-18733965; plus strand), LOC126807329 (P300/CBP strongly-dependent group 1 enhancer GRCh37_chr5:19531228-19532427; plus strand), LOC129389254 (MPRA-validated peak5171 silencer; plus strand) and 8 more. Cytogenetic location: 5p14.3.
Variant type: copy number loss.
Change: copy number 1 (one copy instead of two) of chr5:18,415,454-19,617,962 (1.20 Mb, GRCh38 coordinates, 1-based), cytogenetic band 5p14.3.
Identifiers: ClinVar variation 60254 (VCV000060254.1).